The following is an entry in ClinVar:

ClinVar aggregate classification (germline): Pathogenic (1 of 4 stars; one submission).

Conditions:
Smith-Lemli-Opitz syndrome (SLOS). Also called: 7-Dehydrocholesterol reductase deficiency; POLYDACTYLY, SEX REVERSAL, RENAL HYPOPLASIA, AND UNILOBAR LUNG; RSH SYNDROME; RUTLEDGE LETHAL MULTIPLE CONGENITAL ANOMALY SYNDROME; LETHAL ACRODYSGENITAL SYNDROME. Identifiers: Orphanet 818, MedGen C0175694, MONDO:0010035, OMIM 270400.

Submission:

Labcorp Genetics (formerly Invitae), Labcorp
Classification: Pathogenic for Smith-Lemli-Opitz syndrome. Last evaluated: 2021-09-25. Review status: criteria provided, single submitter. Criteria: Invitae Variant Classification Sherloc (09022015). Collection method: clinical testing. Allele origin: germline.
Comment: This sequence change creates a premature translational stop signal (p.Lys454*) in the DHCR7 gene. While this is not anticipated to result in nonsense mediated decay, it is expected to disrupt the last 22 amino acid(s) of the DHCR7 protein. This variant is not present in population databases (ExAC no frequency). This variant has not been reported in the literature in individuals affected with DHCR7-related conditions. This variant disrupts a region of the DHCR7 protein in which other variant(s) (p.Val466Met) have been determined to be pathogenic (PMID: 21990131, 22391996, 23042628). This suggests that this is a clinically significant region of the protein, and that variants that disrupt it are likely to be disease-causing. For these reasons, this variant has been classified as Pathogenic.

Literature cited by the submitters: PubMed 21990131; PubMed 22391996; PubMed 23042628.

NM_001360.3(DHCR7):c.1360A>T (p.Lys454Ter)

Gene: DHCR7 (7-dehydrocholesterol reductase; minus strand). Cytogenetic location: 11q13.4.
Variant type: single nucleotide variant.
Coding change: c.1360A>T on transcript NM_001360.3 (MANE Select); coding-DNA position 1360, A replaced by T.
Protein change: p.Lys454Ter; replaces lysine 454 with a stop codon.
Molecular consequence: nonsense.
Genome position (GRCh38, 1-based): chr11:71,435,443, T>A on the plus strand (A>T on the coding strand, the complement: DHCR7 is on the minus strand). VCF-style: chr11-71435443-T-A. GRCh37 (hg19) VCF-style: chr11-71146489-T-A.
Other names: c.1360A>T, p.Lys454Ter (NM_001163817.2); short protein forms K454*.
Identifiers: ClinVar variation 1392687 (VCV001392687.6), dbSNP rs2135939478, ClinGen allele CA381700648.